The following is an entry in ClinVar:

ClinVar aggregate classification (germline): Uncertain significance (1 of 4 stars; one submission).

Submission:

GeneDx
Classification: Uncertain significance. Last evaluated: 2024-11-06. Review status: criteria provided, single submitter. Criteria: GeneDx Variant Classification Process June 2021. Collection method: clinical testing. Allele origin: germline. Affected: yes.
Comment: Not observed at significant frequency in large population cohorts (gnomAD); In silico analysis supports that this missense variant has a deleterious effect on protein structure/function; In silico analysis is inconclusive as to whether the variant alters gene splicing. In the absence of RNA/functional studies, the actual effect of this sequence change is unknown.; Has not been previously published as pathogenic or benign to our knowledge

NM_001197104.2(KMT2A):c.4838T>C (p.Leu1613Pro)

Gene: KMT2A (lysine methyltransferase 2A; plus strand). Cytogenetic location: 11q23.3.
Variant type: single nucleotide variant.
Coding change: c.4838T>C on transcript NM_001197104.2 (MANE Select); coding-DNA position 4838, T replaced by C.
Protein change: p.Leu1613Pro; replaces leucine 1613 with proline.
Molecular consequence: missense variant.
Genome position (GRCh38, 1-based): chr11:118,491,762, T>C. VCF-style: chr11-118491762-T-C. GRCh37 (hg19) VCF-style: chr11-118362477-T-C.
Other names: c.4928T>C, p.Leu1643Pro (NM_001412597.1); c.4829T>C, p.Leu1610Pro (NM_005933.4); short protein forms L1610P, L1613P, L1643P.
Identifiers: ClinVar variation 3899050 (VCV003899050.1).